The following is an entry in ClinVar:

ClinVar aggregate classification (germline): Conflicting classifications of pathogenicity. Review status: criteria provided, conflicting classifications (1 of 4 stars). 2 submissions from 2 submitters: Uncertain significance (1); Likely benign (1). Last evaluated 2025-05-01.

Conditions:
Cardiovascular phenotype. Identifiers: MedGen CN230736.
Hereditary cancer-predisposing syndrome. Also called: Hereditary Cancer Syndrome; Hereditary neoplastic syndrome; Neoplastic Syndromes, Hereditary; Tumor predisposition. Identifiers: Orphanet 140162, MedGen C0027672, MeSH D009386, MONDO:0015356.

Allele frequency attached by ClinVar (database versions not stated): gnomAD exomes below 0.00001.

Submissions (2):

Ambry Genetics
Classification: Likely benign for Cardiovascular phenotype; Hereditary cancer-predisposing syndrome. Last evaluated: 2025-05-01. Review status: criteria provided, single submitter. Criteria: Ambry Variant Classification Scheme 2023. Collection method: clinical testing. Allele origin: germline.

Labcorp Genetics (formerly Invitae), Labcorp
Classification: Uncertain significance. Last evaluated: 2023-05-26. Review status: criteria provided, single submitter. Criteria: Invitae Variant Classification Sherloc (09022015). Collection method: clinical testing. Allele origin: germline.
Comment: This sequence change replaces cysteine, which is neutral and slightly polar, with tyrosine, which is neutral and polar, at codon 342 of the LZTR1 protein (p.Cys342Tyr). This variant is not present in population databases (gnomAD no frequency). This variant has not been reported in the literature in individuals affected with LZTR1-related conditions. ClinVar contains an entry for this variant (Variation ID: 1769333). Advanced modeling of protein sequence and biophysical properties (such as structural, functional, and spatial information, amino acid conservation, physicochemical variation, residue mobility, and thermodynamic stability) performed at Invitae indicates that this missense variant is not expected to disrupt LZTR1 protein function. In summary, the available evidence is currently insufficient to determine the role of this variant in disease. Therefore, it has been classified as a Variant of Uncertain Significance.

NM_006767.4(LZTR1):c.1025G>A (p.Cys342Tyr)

Gene: LZTR1 (leucine zipper like post translational regulator 1; plus strand). Cytogenetic location: 22q11.21.
Variant type: single nucleotide variant.
Coding change: c.1025G>A on transcript NM_006767.4 (MANE Select); coding-DNA position 1025, G replaced by A.
Protein change: p.Cys342Tyr; replaces cysteine 342 with tyrosine.
Molecular consequence: missense variant.
Genome position (GRCh38, 1-based): chr22:20,992,245, G>A. VCF-style: chr22-20992245-G-A. GRCh37 (hg19) VCF-style: chr22-21346534-G-A.
Other names: short protein forms C342Y.
Identifiers: ClinVar variation 1769333 (VCV001769333.6), dbSNP rs2518617960, ClinGen allele CA410781808.